The following is an entry in ClinVar:

ClinVar aggregate classification (germline): Pathogenic (1 of 4 stars; one submission).

Conditions:
Ichthyosis linearis circumflexa. Identifiers: MedGen C0265962, MONDO:0043106, HP:0025810.

Submission:

Labcorp Genetics (formerly Invitae), Labcorp
Classification: Pathogenic for Ichthyosis linearis circumflexa. Last evaluated: 2018-07-10. Review status: criteria provided, single submitter. Criteria: Invitae Variant Classification Sherloc (09022015). Collection method: clinical testing. Allele origin: germline.
Comment: Loss-of-function variants in SPINK5 are known to be pathogenic (PMID: 11511292, 11841556). For these reasons, this variant has been classified as Pathogenic. This variant has not been reported in the literature in individuals with SPINK5-related disease. This variant is not present in population databases (ExAC no frequency). This sequence change creates a premature translational stop signal (p.Leu639Alafs*12) in the SPINK5 gene. It is expected to result in an absent or disrupted protein product.

Literature cited by the submitters: PubMed 11511292; PubMed 11841556.

NM_006846.4(SPINK5):c.1915_1916del (p.Leu639fs)

Gene: SPINK5 (serine peptidase inhibitor Kazal type 5; plus strand). Cytogenetic location: 5q32.
Variant type: Deletion.
Coding change: c.1915_1916del on transcript NM_006846.4 (MANE Select); coding-DNA positions 1915 to 1916, 2 bases deleted (TT; older notation c.1915_1916delTT).
Protein change: p.Leu639fs; shifts the reading frame from leucine 639.
Molecular consequence: frameshift variant.
Genome position (GRCh38, 1-based): chr5:148,114,389-148,114,390, TT deleted; deleting any 2 consecutive bases within chr5:148,114,387-148,114,390 gives the same sequence; the c. name uses the placement nearest the transcript's 3' end. VCF-style (leftmost placement, unchanged base first): chr5-148114386-CTT-C. GRCh37 (hg19) VCF-style: chr5-147493949-CTT-C.
Other names: c.1915_1916del, p.Leu639fs (NM_001127698.2, NM_001127699.2); c.1915_1916delTT (NM_006846.3); short protein forms L639fs.
Identifiers: ClinVar variation 645505 (VCV000645505.7), dbSNP rs1581096271, ClinGen allele CA915942671.